The following is an entry in ClinVar:

ClinVar aggregate classification (germline): Uncertain significance. Review status: criteria provided, multiple submitters, no conflicts (2 of 4 stars). 2 submissions from 2 submitters: Uncertain significance (2). Last evaluated 2024-08-28.

Conditions:
Ullrich congenital muscular dystrophy 2 (UCMD2). Identifiers: Orphanet 75840, MedGen C4225314, MONDO:0014654, OMIM 616470.
Bethlem myopathy 2 (BTHLM2). Identifiers: Orphanet 536516, Orphanet 610, MedGen C4225313, MONDO:0034022, OMIM 616471.

Allele frequency attached by ClinVar (database versions not stated): TOPMed 0.00001.
gnomAD v4.1: 5 of 1,614,116 alleles (0.00031%); highest among the groups gnomAD compares: Non-Finnish European, 0.00025%; no homozygotes.

Submissions (2):

Labcorp Genetics (formerly Invitae), Labcorp
Classification: Uncertain significance for Bethlem myopathy 2; Ullrich congenital muscular dystrophy 2. Last evaluated: 2024-08-28. Review status: criteria provided, single submitter. Criteria: Invitae Variant Classification Sherloc (09022015). Collection method: clinical testing. Allele origin: germline.
Comment: This sequence change replaces glutamic acid, which is acidic and polar, with valine, which is neutral and non-polar, at codon 1868 of the COL12A1 protein (p.Glu1868Val). This variant is present in population databases (no rsID available, gnomAD 0.006%). This variant has not been reported in the literature in individuals affected with COL12A1-related conditions. ClinVar contains an entry for this variant (Variation ID: 652421). Invitae Evidence Modeling of protein sequence and biophysical properties (such as structural, functional, and spatial information, amino acid conservation, physicochemical variation, residue mobility, and thermodynamic stability) indicates that this missense variant is not expected to disrupt COL12A1 protein function with a negative predictive value of 80%. In summary, the available evidence is currently insufficient to determine the role of this variant in disease. Therefore, it has been classified as a Variant of Uncertain Significance.

Blueprint Genetics
Classification: Uncertain significance. Last evaluated: 2024-04-19. Review status: criteria provided, single submitter. Criteria: ACMG Guidelines, 2015. Collection method: clinical testing. Allele origin: germline.

NM_004370.6(COL12A1):c.5603A>T (p.Glu1868Val)

Gene: COL12A1 (collagen type XII alpha 1 chain; minus strand). Cytogenetic location: 6q13.
Variant type: single nucleotide variant.
Coding change: c.5603A>T on transcript NM_004370.6 (MANE Select); coding-DNA position 5603, A replaced by T.
Protein change: p.Glu1868Val; replaces glutamic acid 1868 with valine.
Molecular consequence: missense variant.
Genome position (GRCh38, 1-based): chr6:75,133,919, T>A on the plus strand (A>T on the coding strand, the complement: COL12A1 is on the minus strand). VCF-style: chr6-75133919-T-A. GRCh37 (hg19) VCF-style: chr6-75843635-T-A.
Other names: c.2111A>T, p.Glu704Val (NM_080645.3); short protein forms E1868V, E704V.
Identifiers: ClinVar variation 652421 (VCV000652421.10), dbSNP rs1370422060, ClinGen allele CA364735048.
Genomic context (GRCh38, chr6:75,133,919, plus strand): 5'-AGTTCCTCTGGACCACCTGCTGCTGGTGCATAGAAGAGCTTGTACTGACGAGGATTTCCC[T>A]CTGCATGGTCCCAGCGGACATTCAAGGTGCTGGTAGAAGGGTCATACACTCTCAGGTTCC-3'
Protein context (NP_004361.3, residues 1858-1878): STLNVRWDHA[Glu1868Val]GNPRQYKLFY